The following is an entry in ClinVar:

NM_000321.3(RB1):c.1550T>A (p.Ile517Asn)

Gene: RB1 (RB transcriptional corepressor 1; plus strand). Cytogenetic location: 13q14.2.
Variant type: single nucleotide variant.
Coding change: c.1550T>A on transcript NM_000321.3 (MANE Select); coding-DNA position 1550, T replaced by A.
Protein change: p.Ile517Asn; replaces isoleucine 517 with asparagine.
Molecular consequence: missense variant.
Genome position (GRCh38, 1-based): chr13:48,381,298, T>A. VCF-style: chr13-48381298-T-A. GRCh37 (hg19) VCF-style: chr13-48955434-T-A.
Other names: c.1550T>A, p.Ile517Asn (NM_001407165.1, NM_001407166.1); short protein forms I517N.
Identifiers: ClinVar variation 1775056 (VCV001775056.3), dbSNP rs2138145072, ClinGen allele CA388163472.

ClinVar aggregate classification (germline): Uncertain significance (1 of 4 stars; one submission).

Conditions:
Hereditary cancer-predisposing syndrome. Also called: Hereditary Cancer Syndrome; Hereditary neoplastic syndrome; Neoplastic Syndromes, Hereditary; Tumor predisposition. Identifiers: Orphanet 140162, MedGen C0027672, MeSH D009386, MONDO:0015356.

Submission:

Ambry Genetics
Classification: Uncertain significance for Hereditary cancer-predisposing syndrome. Last evaluated: 2025-07-07. Review status: criteria provided, single submitter. Criteria: Ambry Variant Classification Scheme 2023. Collection method: clinical testing. Allele origin: germline.
Comment: The p.I517N variant (also known as c.1550T>A), located in coding exon 17 of the RB1 gene, results from a T to A substitution at nucleotide position 1550. The isoleucine at codon 517 is replaced by asparagine, an amino acid with dissimilar properties. This amino acid position is highly conserved in available vertebrate species. In addition, this alteration is predicted to be deleterious by in silico analysis. Based on the available evidence, the clinical significance of this variant remains unclear.